The following is an entry in ClinVar:

ClinVar aggregate classification (germline): Pathogenic. Review status: criteria provided, multiple submitters, no conflicts (2 of 4 stars). 2 submissions from 2 submitters: Pathogenic (2). Last evaluated 2024-10-03.

Conditions:
SYNJ1-related disorder. Also called: SYNJ1-related condition.

Allele frequency attached by ClinVar (database versions not stated): gnomAD exomes below 0.00001; gnomAD 0.00001.
gnomAD v4.1: 4 of 1,613,928 alleles (0.00025%); highest among the groups gnomAD compares: African/African-American, 0.0013%; no homozygotes.

Submissions (2):

Blueprint Genetics
Classification: Pathogenic for SYNJ1-related disorders. Last evaluated: 2024-10-03. Review status: criteria provided, single submitter. Criteria: ACMG Guidelines, 2015. Collection method: clinical testing. Allele origin: germline. Affected: yes. Observed: 1 variant allele.

GeneDx
Classification: Pathogenic. Last evaluated: 2018-12-17. Review status: criteria provided, single submitter. Criteria: GeneDx Variant Classification Process June 2021. Collection method: clinical testing. Allele origin: germline. Affected: yes.
Comment: Nonsense variant predicted to result in protein truncation or nonsense mediated decay in a gene for which loss-of-function is a known mechanism of disease; Not observed in large population cohorts (Lek et al., 2016; McVean et al., 2012; Exome Variant Server); This variant is associated with the following publications: (PMID: 25046240, 25316601)

NM_203446.3(SYNJ1):c.289C>T (p.Arg97Ter)

Gene: SYNJ1 (synaptojanin 1; minus strand). Cytogenetic location: 21q22.11.
Variant type: single nucleotide variant.
Coding change: c.289C>T on transcript NM_203446.3 (MANE Select); coding-DNA position 289, C replaced by T.
Protein change: p.Arg97Ter; replaces arginine 97 with a stop codon.
Molecular consequence: nonsense.
Genome position (GRCh38, 1-based): chr21:32,700,028, G>A on the plus strand (C>T on the coding strand, the complement: SYNJ1 is on the minus strand). VCF-style: chr21-32700028-G-A. GRCh37 (hg19) VCF-style: chr21-34072338-G-A.
Other names: c.289C>T, p.Arg97Ter (NM_001160302.2, NM_001160306.2); c.406C>T, p.Arg136Ter (NM_003895.4); short protein forms R136*, R97*.
Identifiers: ClinVar variation 1206765 (VCV001206765.4), dbSNP rs2042344677, ClinGen allele CA410101843.